The following is an entry in ClinVar:

NM_001291415.2(KDM6A):c.4222G>A (p.Val1408Ile)

Gene: KDM6A (lysine demethylase 6A; plus strand). Cytogenetic location: Xp11.3.
Variant type: single nucleotide variant.
Coding change: c.4222G>A on transcript NM_001291415.2 (MANE Select); coding-DNA position 4222, G replaced by A.
Protein change: p.Val1408Ile; replaces valine 1408 with isoleucine.
Molecular consequence: missense variant. On other transcripts: non-coding transcript variant (1).
Genome position (GRCh38, 1-based): chrX:45,110,139, G>A. VCF-style: chrX-45110139-G-A. GRCh37 (hg19) VCF-style: chrX-44969384-G-A.
Other names: c.4087G>A, p.Val1363Ile (NM_001291416.2); c.3931G>A, p.Val1311Ile (NM_001291417.2); c.3829G>A, p.Val1277Ile (NM_001291418.2); c.3178G>A, p.Val1060Ile (NM_001291421.2); c.4066G>A, p.Val1356Ile (NM_021140.4); short protein forms V1060I, V1277I, V1311I, V1356I, V1363I, V1408I.
Identifiers: ClinVar variation 1699348 (VCV001699348.3), dbSNP rs2148305714, ClinGen allele CA412777113.
Genomic context (GRCh38, chrX:45,110,139, plus strand): 5'-GTGGAGGTTTTTGATCTGCTTTTTGTCACTAATGAGAGTAATTCACGAAAGACCTACATA[G>A]TACATTGCCAAGATTGTGCACGAAAAACAAGCGGAAACTTGGAAAACTTTGTGGTGCTAG-3'
Protein context (NP_001278344.1, residues 1398-1418): NESNSRKTYI[Val1408Ile]HCQDCARKTS

ClinVar aggregate classification (germline): Uncertain significance (1 of 4 stars; one submission).

Conditions:
Kabuki syndrome 2 (KABUK2). Also called: KDM6A-Related Kabuki Syndrome. Identifiers: Orphanet 2322, MedGen C3275495, MONDO:0010465, OMIM 300867.

Submission:

Victorian Clinical Genetics Services, Murdoch Childrens Research Institute
Classification: Uncertain significance for Kabuki syndrome 2. Last evaluated: 2022-09-02. Review status: criteria provided, single submitter. Criteria: ACMG Guidelines, 2015. Collection method: clinical testing. Allele origin: germline. Inheritance: X-linked dominant inheritance.
Comment: A heterozygous missense variant was identified, NM_021140.3(KDM6A):c.4066G>A in exon 28 of 29 of the KDM6A gene. This substitution is predicted to create a minor amino acid change from a valine to an isoleucine at position 1356 of the protein, NP_066963.2(KDM6A):p.(Val1356Ile). The valine at this position has high conservation (100 vertebrates, UCSC), and is located within a histone substrate binding cleft at the Zn-binding domain (Del Rizzo, P. and Trievel, R. (2014), Kim, E. and Song. J. (2011), Maitre, E., et al. (2018)). In silico software predictions of the pathogenicity of this variant are conflicting (Polyphen, SIFT, CADD, Mutation Taster). The variant is not present in the gnomAD population database and has not been previously reported in clinical cases. Based on information available at the time of curation, this variant has been classified a VARIANT of UNCERTAIN SIGNIFICANCE (VUS).